The following is an entry in ClinVar:

NM_018006.5(TRMU):c.591del (p.Glu198fs)

Gene: TRMU (tRNA mitochondrial 2-thiouridylase; plus strand). Cytogenetic location: 22q13.31.
Variant type: Deletion.
Coding change: c.591del on transcript NM_018006.5 (MANE Select); coding-DNA position 591, one base deleted (A; older notation c.591delA).
Protein change: p.Glu198fs; shifts the reading frame from glutamic acid 198.
Molecular consequence: frameshift variant. On other transcripts: non-coding transcript variant (2).
Genome position (GRCh38, 1-based): chr22:46,350,403, A deleted; the last of 3 consecutive A bases (chr22:46,350,401-46,350,403); deleting any one gives the same sequence. VCF-style (leftmost placement, unchanged base first): chr22-46350400-GA-G. GRCh37 (hg19) VCF-style: chr22-46746297-GA-G.
Other names: c.*35delA (NM_001008568.2); c.*129delA (NM_001008570.2); c.249del, p.Glu84fs (NM_001282782.2); c.171del, p.Glu58fs (NM_001282783.2, NM_001282784.2); c.591del, p.Glu198fs (NM_001282785.2); short protein forms E198fs, E58fs, E84fs.
Identifiers: ClinVar variation 2679286 (VCV002679286.2), dbSNP rs751250875, ClinGen allele CA10292105.
Genomic context (GRCh38, chr22:46,350,400, plus strand): 5'-TCTCAGCCAGGTTTCCCAGGATGCCCTGAGGAGAACCATCTTCCCTCTGGGGGGATTAAC[GA>G]AAGAGTTTGTAAAGAAAATCGCTGCTGAGAATAGACTTCATCATGTGCTTCAGAAGAAAG-3'

ClinVar aggregate classification (germline): Pathogenic/Likely pathogenic. Review status: criteria provided, multiple submitters, no conflicts (2 of 4 stars). 2 submissions from 2 submitters: Pathogenic (1); Likely pathogenic (1). Last evaluated 2025-11-27.

Conditions:
Acute infantile liver failure due to synthesis defect of mtDNA-encoded proteins. Also called: Liver failure acute infantile; LIVER FAILURE, INFANTILE, TRANSIENT; TRMU Deficiency. Identifiers: Orphanet 217371, MedGen C3278664, MONDO:0013111, OMIM 613070.
Aminoglycoside-induced deafness. Also called: MT-RNR1-Related Hearing Loss and Deafness; STREPTOMYCIN OTOTOXICITY; DEAFNESS, STREPTOMYCIN-INDUCED. Identifiers: Orphanet 168609, MedGen C1838854, MONDO:0010799, OMIM 580000.

Submissions (2):

Myriad Genetics, Inc.
Classification: Pathogenic for Acute infantile liver failure due to synthesis defect of mtDNA-encoded proteins. Last evaluated: 2025-11-27. Review status: criteria provided, single submitter. Criteria: Myriad Autosomal Dominant, Autosomal Recessive and X-Linked Classification Criteria (2023). Collection method: clinical testing. Allele origin: unknown.
Comment: NM_018006.4(TRMU):c.591delA(E198Sfs*3) is expected to be pathogenic in the context of acute liver failure, TRMU-related. This variant is predicted to lead to an abnormal or absent protein product due to the creation of a premature termination codon in TRMU, a gene where loss-of-function variants are known to be pathogenic. Please note: this variant was assessed in the context of healthy population screening.

Baylor Genetics
Classification: Likely pathogenic for Aminoglycoside-induced deafness. Last evaluated: 2023-03-15. Review status: criteria provided, single submitter. Criteria: ACMG Guidelines, 2015. Collection method: clinical testing. Allele origin: unknown.